The following is an entry in ClinVar:

NM_052813.5(CARD9):c.862C>T (p.Arg288Trp)

Gene: CARD9 (caspase recruitment domain family member 9; minus strand). Cytogenetic location: 9q34.3.
Variant type: single nucleotide variant.
Coding change: c.862C>T on transcript NM_052813.5 (MANE Select); coding-DNA position 862, C replaced by T.
Protein change: p.Arg288Trp; replaces arginine 288 with tryptophan.
Molecular consequence: missense variant.
Genome position (GRCh38, 1-based): chr9:136,370,383, G>A on the plus strand (C>T on the coding strand, the complement: CARD9 is on the minus strand). VCF-style: chr9-136370383-G-A. GRCh37 (hg19) VCF-style: chr9-139264835-G-A.
Other names: c.862C>T, p.Arg288Trp (NM_052814.4); short protein forms R288W.
Identifiers: ClinVar variation 967852 (VCV000967852.9), dbSNP rs770668488, ClinGen allele CA5332949.

ClinVar aggregate classification (germline): Uncertain significance (1 of 4 stars; one submission).

Conditions:
Predisposition to invasive fungal disease due to CARD9 deficiency (IMD103). Also called: CARD9 IMMUNODEFICIENCY; IMMUNODEFICIENCY 103, SUSCEPTIBILITY TO FUNGAL INFECTIONS; Candidiasis, familial, 2, autosomal recessive. Identifiers: Orphanet 457088, MedGen C1859353, MONDO:0008905, OMIM 212050.

Allele frequency attached by ClinVar (database versions not stated): gnomAD exomes below 0.00001 and 0.00001; ExAC 0.00001.
gnomAD v4.1: 5 of 1,610,676 alleles (0.00031%); highest among the groups gnomAD compares: East Asian, 0.0022%; no homozygotes.

Submission:

Labcorp Genetics (formerly Invitae), Labcorp
Classification: Uncertain significance for Predisposition to invasive fungal disease due to CARD9 deficiency. Last evaluated: 2019-10-16. Review status: criteria provided, single submitter. Criteria: Invitae Variant Classification Sherloc (09022015). Collection method: clinical testing. Allele origin: germline.
Comment: This variant has not been reported in the literature in individuals with CARD9-related conditions. This variant is present in population databases (rs770668488, ExAC no frequency). This sequence change replaces arginine with tryptophan at codon 288 of the CARD9 protein (p.Arg288Trp). The arginine residue is moderately conserved and there is a moderate physicochemical difference between arginine and tryptophan. Algorithms developed to predict the effect of missense changes on protein structure and function are either unavailable or do not agree on the potential impact of this missense change (SIFT: "Deleterious"; PolyPhen-2: "Possibly Damaging"; Align-GVGD: "Class C0"). In summary, the available evidence is currently insufficient to determine the role of this variant in disease. Therefore, it has been classified as a Variant of Uncertain Significance.